The following is an entry in ClinVar:

NM_000395.3(CSF2RB):c.552C>T (p.Asp184=)

Gene: CSF2RB (colony stimulating factor 2 receptor subunit beta; plus strand). Cytogenetic location: 22q12.3.
Variant type: single nucleotide variant.
Coding change: c.552C>T on transcript NM_000395.3 (MANE Select); coding-DNA position 552, C replaced by T.
Protein change: p.Asp184=; no amino-acid change (aspartic acid 184 retained).
Molecular consequence: synonymous variant.
Genome position (GRCh38, 1-based): chr22:36,929,641, C>T. VCF-style: chr22-36929641-C-T. GRCh37 (hg19) VCF-style: chr22-37325683-C-T.
Other names: c.552C>T (NM_000395.2).
Identifiers: ClinVar variation 1637437 (VCV001637437.9), dbSNP rs765484350, ClinGen allele CA10213512.

ClinVar aggregate classification (germline): Likely benign. Review status: criteria provided, multiple submitters, no conflicts (2 of 4 stars). 2 submissions from 2 submitters: Likely benign (2). Last evaluated 2025-12-23.

Conditions:
CSF2RB-related disorder. Also called: CSF2RB-related condition.

Allele frequency attached by ClinVar (database versions not stated): ExAC 0.00001; gnomAD 0.00001; gnomAD exomes 0.00001; TOPMed 0.00005.
gnomAD v4.1: 36 of 1,614,104 alleles (0.0022%); highest among the groups gnomAD compares: South Asian, 0.0055%; no homozygotes.

Submissions (2):

Labcorp Genetics (formerly Invitae), Labcorp
Classification: Likely benign. Last evaluated: 2025-12-23. Review status: criteria provided, single submitter. Criteria: Invitae Variant Classification Sherloc (09022015). Collection method: clinical testing. Allele origin: germline.

PreventionGenetics, part of Exact Sciences
Classification: Likely benign for CSF2RB-related condition. Last evaluated: 2025-06-14. Review status: criteria provided, single submitter. Criteria: ACMG Guidelines, 2015. Collection method: clinical testing. Allele origin: germline.
Comment: This variant is classified as likely benign based on ACMG/AMP sequence variant interpretation guidelines (Richards et al. 2015 PMID: 25741868, with internal and published modifications).